The following is an entry in ClinVar:

ClinVar aggregate classification (germline): Pathogenic/Likely pathogenic. Review status: criteria provided, multiple submitters, no conflicts (2 of 4 stars). 8 submissions from 8 submitters: Pathogenic (4); Likely pathogenic (3). 1 of the submissions does not count toward it. Last evaluated 2026-06-01.

Conditions:
Hereditary motor and sensory neuropathy with optic atrophy. Also called: PERIPHERAL NEUROPATHY AND OPTIC ATROPHY; CHARCOT-MARIE-TOOTH DISEASE, TYPE 6. Identifiers: Orphanet 90120, MedGen C0393807, MONDO:0019551.
Neuropathy, hereditary motor and sensory, type 6A (HMSN6A). Also called: HMSN VIA; CHARCOT-MARIE-TOOTH DISEASE, TYPE 6A; NEUROPATHY, HEREDITARY MOTOR AND SENSORY, TYPE VIA, WITH OPTIC ATROPHY; NEUROPATHY, HEREDITARY MOTOR AND SENSORY, TYPE VIA. Identifiers: MedGen CN305336, MONDO:0011002, OMIM 601152.
Charcot-Marie-Tooth disease. Also called: Charcot-Marie-Tooth Neuropathy; Charcot-Marie-Tooth Hereditary Neuropathy. Identifiers: Orphanet 166, MedGen C0007959, MONDO:0015626.
Charcot-Marie-Tooth disease type 2. Also called: Charcot-Marie-Tooth type 2. Identifiers: Orphanet 64746, MedGen C0270914, MONDO:0018993.

gnomAD v4.1: 20 of 1,614,070 alleles (0.0012%); highest among the groups gnomAD compares: African/African-American, 0.0027%; no homozygotes.

Submissions (8):

CeGaT Center for Human Genetics Tuebingen
Classification: Pathogenic. Last evaluated: 2026-06-01. Review status: criteria provided, single submitter. Criteria: CeGaT Center For Human Genetics Tuebingen Variant Classification Criteria Version 2. Collection method: clinical testing. Allele origin: germline. Affected: yes. Observed: 1 variant allele.
Comment: MFN2: PVS1, PS4:Moderate, PM2:Supporting, PM6:Supporting

Variantyx, Inc.
Classification: Likely pathogenic for Neuropathy, hereditary motor and sensory, type 6A. Last evaluated: 2025-03-21. Review status: criteria provided, single submitter. Criteria: Variantyx Assertion Criteria 2022. Collection method: clinical testing. Allele origin: maternal.
Comment: This is a nonsense variant in the MFN2 gene (OMIM: 608507). Pathogenic variants in this gene have been associated with autosomal dominant hereditary motor and sensory neuropathy VIA. This variant likely occurred de novo in an individual from the published literature; however, the possibility of parental germline mosaicism cannot be excluded (PMID: 16437557 ) (PS2). This variant has been reported in at least 1 affected individual (PMID: 31407473) (PS4_Supporting). This variant has a 0.0027% maximum allele frequency in non-founder control populations (PM2_Supporting). Based on the current evidence, this variant is classified as likely pathogenic for autosomal dominant hereditary motor and sensory neuropathy VIA.Inter- and intrafamilial clinical variability and age of onset has been described for autosomal dominant hereditary motor and sensory neuropathy VIA. Age of onset as been reported between the first and sixth decade of life and individuals may present asymptomatic or have mild features at the time of diagnosis and these cases tend be later age of onset (PMID: 20301684).

Labcorp Genetics (formerly Invitae), Labcorp
Classification: Pathogenic for Charcot-Marie-Tooth disease type 2. Last evaluated: 2024-02-16. Review status: criteria provided, single submitter. Criteria: Invitae Variant Classification Sherloc (09022015). Collection method: clinical testing. Allele origin: germline.
Comment: This sequence change creates a premature translational stop signal (p.Arg418*) in the MFN2 gene. It is expected to result in an absent or disrupted protein product. Loss-of-function variants in MFN2 are known to be pathogenic (PMID: 16714318, 16835246, 21715711, 23781337, 26955893). This variant is not present in population databases (gnomAD no frequency). This premature translational stop signal has been observed in individual(s) with Charcot-Marie-Tooth disease (PMID: 16437557). In at least one individual the variant was observed to be de novo. ClinVar contains an entry for this variant (Variation ID: 372790). For these reasons, this variant has been classified as Pathogenic.

Athena Diagnostics
Classification: Pathogenic. Last evaluated: 2021-08-16. Review status: criteria provided, single submitter. Criteria: Athena Diagnostics Criteria. Collection method: clinical testing. Allele origin: unknown.
Comment: This variant is expected to result in the loss of a functional protein. This variant has not been reported in large, multi-ethnic general populations.

Revvity Omics, Revvity
Classification: Pathogenic. Last evaluated: 2021-06-21. Review status: criteria provided, single submitter. Criteria: ACMG Guidelines, 2015. Collection method: clinical testing. Allele origin: germline.

Institute of Human Genetics Munich, TUM University Hospital
Classification: Likely pathogenic for Neuropathy, hereditary motor and sensory, type 6A. Last evaluated: 2019-06-07. Review status: criteria provided, single submitter. Criteria: Classification criteria August 2017. Collection method: clinical testing. Allele origin: germline. Inheritance: Autosomal dominant inheritance. Affected: yes. Observed: 1 heterozygote.

GeneDx
Classification: Likely pathogenic. Last evaluated: 2016-12-01. Review status: criteria provided, single submitter. Criteria: GeneDx Variant Classification (06012015). Collection method: clinical testing. Allele origin: germline. Affected: yes.
Comment: The R418X variant in the MFN2 gene has been reported previously as a de novo variant in one individual with Charcot Marie Tooth type 2 with additional findings of optic atrophy and increased T2 signal on MRI in the cerebellar peduncles (Zuchner et al., 2006). This variant is predicted to cause loss of normal protein function either through protein truncation or nonsense-mediated mRNA decay. The R418X variant was not observed in approximately 6,500 individuals of European and African American ancestry in the NHLBI Exome Sequencing Project, indicating it is not a common benign variant in these populations. The R418X variant is a strong candidate for a pathogenic variant, however the possibility it may be a rare benign variant cannot be excluded.

Inherited Neuropathy Consortium
Classification: Uncertain significance for Charcot-Marie-Tooth disease. Review status: no assertion criteria provided. Collection method: literature only. Allele origin: germline. Affected: yes. Not counted in ClinVar's aggregate classification.

Literature cited by the submitters: PubMed 16714318 (cited by Labcorp Genetics (formerly Invitae), Labcorp); PubMed 16835246 (cited by Labcorp Genetics (formerly Invitae), Labcorp); PubMed 21715711 (cited by Labcorp Genetics (formerly Invitae), Labcorp); PubMed 23781337 (cited by Labcorp Genetics (formerly Invitae), Labcorp); PubMed 26955893 (cited by Labcorp Genetics (formerly Invitae), Labcorp); PubMed 16437557 (cited by 3 submitters); PubMed 31407473 (cited by Athena Diagnostics).

NM_014874.4(MFN2):c.1252C>T (p.Arg418Ter)

Gene: MFN2 (mitofusin 2; plus strand). Cytogenetic location: 1p36.22.
Variant type: single nucleotide variant.
Coding change: c.1252C>T on transcript NM_014874.4 (MANE Select); coding-DNA position 1252, C replaced by T.
Protein change: p.Arg418Ter; replaces arginine 418 with a stop codon.
Molecular consequence: nonsense.
Genome position (GRCh38, 1-based): chr1:12,004,083, C>T. VCF-style: chr1-12004083-C-T. GRCh37 (hg19) VCF-style: chr1-12064140-C-T.
Other names: c.1252C>T, p.Arg418Ter (NM_001127660.2); short protein forms R418*.
Identifiers: ClinVar variation 372790 (VCV000372790.22), dbSNP rs1057517987, ClinGen allele CA16042289.